The following is an entry in ClinVar:

ClinVar aggregate classification (germline): Likely benign (0 of 4 stars; one submission).

Conditions:
MYO3A-related disorder. Also called: MYO3A-related condition.

Allele frequency attached by ClinVar (database versions not stated): 1000 Genomes Project 30x 0.00016; 1000 Genomes Project 0.00020.
gnomAD v4.1: 10 of 1,614,098 alleles (0.00062%); highest among the groups gnomAD compares: East Asian, 0.013%; no homozygotes.

Submission:

PreventionGenetics, part of Exact Sciences
Classification: Likely benign for MYO3A-related condition. Last evaluated: 2020-01-15. Review status: no assertion criteria provided. Collection method: clinical testing. Allele origin: germline.
Comment: This variant is classified as likely benign based on ACMG/AMP sequence variant interpretation guidelines (Richards et al. 2015 PMID: 25741868, with internal and published modifications).

NM_017433.5(MYO3A):c.3045C>T (p.Ser1015=)

Gene: MYO3A (myosin IIIA; plus strand). Cytogenetic location: 10p12.1.
Variant type: single nucleotide variant.
Coding change: c.3045C>T on transcript NM_017433.5 (MANE Select); coding-DNA position 3045, C replaced by T.
Protein change: p.Ser1015=; no amino-acid change (serine 1015 retained).
Molecular consequence: synonymous variant.
Genome position (GRCh38, 1-based): chr10:26,166,112, C>T. VCF-style: chr10-26166112-C-T. GRCh37 (hg19) VCF-style: chr10-26455041-C-T.
Identifiers: ClinVar variation 3051784 (VCV003051784.2), dbSNP rs199885795, ClinGen allele CA204392949.
Genomic context (GRCh38, chr10:26,166,112, plus strand): 5'-TTTTTCCATTCCAAGGTACTACCTTCTCTGCTACAAGTCGAGCGAGGAGCCCCGCATGAG[C>T]CCTGACACCTGTGCCACCATTTTGGAAAAAGCTGGTCTCGATAACTGGGCTCTTGGAAAA-3'
Protein context (NP_059129.3, residues 1005-1025): CYKSSEEPRM[Ser1015=]PDTCATILEK